The following is an entry in ClinVar:

NM_007373.4(SHOC2):c.50A>G (p.Lys17Arg)

Gene: SHOC2 (SHOC2 leucine rich repeat scaffold protein; plus strand). Cytogenetic location: 10q25.2.
Variant type: single nucleotide variant.
Coding change: c.50A>G on transcript NM_007373.4 (MANE Select); coding-DNA position 50, A replaced by G.
Protein change: p.Lys17Arg; replaces lysine 17 with arginine.
Molecular consequence: missense variant. On other transcripts: 5 prime UTR variant (1), non-coding transcript variant (1), intron variant (3).
Genome position (GRCh38, 1-based): chr10:110,964,408, A>G. VCF-style: chr10-110964408-A-G. GRCh37 (hg19) VCF-style: chr10-112724166-A-G.
Other names: c.50A>G, p.Lys17Arg (NM_001269039.3, NM_001324336.2, NM_001324337.2 and 4 more transcripts); c.-737A>G (NM_001441188.1); c.-380-21220A>G (NM_001441190.1); c.-249-21220A>G (NM_001441191.1); c.-242-36007A>G (NM_001441189.1); short protein forms K17R.
Identifiers: ClinVar variation 4710663 (VCV004710663.1).

ClinVar aggregate classification (germline): Uncertain significance (1 of 4 stars; one submission).

Conditions:
RASopathy. Also called: Noonan spectrum disorder; rasopathies. Identifiers: Orphanet 536391, MedGen C5555857, MONDO:0021060.

Submission:

Labcorp Genetics (formerly Invitae), Labcorp
Classification: Uncertain significance for RASopathy. Last evaluated: 2025-12-14. Review status: criteria provided, single submitter. Criteria: Invitae Variant Classification Sherloc (09022015). Collection method: clinical testing. Allele origin: germline.
Comment: This sequence change replaces lysine, which is basic and polar, with arginine, which is basic and polar, at codon 17 of the SHOC2 protein (p.Lys17Arg). This variant is not present in population databases (gnomAD no frequency). This variant has not been reported in the literature in individuals affected with SHOC2-related conditions. An algorithm developed to predict the effect of missense changes on protein structure and function (PolyPhen-2) suggests that this variant is likely to be tolerated. In summary, the available evidence is currently insufficient to determine the role of this variant in disease. Therefore, it has been classified as a Variant of Uncertain Significance.